The following is an entry in ClinVar:

ClinVar aggregate classification (germline): Uncertain significance (1 of 4 stars; one submission).

Conditions:
Familial focal epilepsy with variable foci (FPEVF). Identifiers: Orphanet 98820, MedGen C1858477, MONDO:0020310.

Allele frequency attached by ClinVar (database versions not stated): gnomAD exomes below 0.00001; TOPMed below 0.00001; gnomAD 0.00001.
gnomAD v4.1: 8 of 1,613,608 alleles (0.0005%); highest among the groups gnomAD compares: East Asian, 0.0022%; no homozygotes.

Submission:

Labcorp Genetics (formerly Invitae), Labcorp
Classification: Uncertain significance for Familial focal epilepsy with variable foci. Last evaluated: 2024-04-25. Review status: criteria provided, single submitter. Criteria: Invitae Variant Classification Sherloc (09022015). Collection method: clinical testing. Allele origin: germline.
Comment: This sequence change replaces arginine, which is basic and polar, with histidine, which is basic and polar, at codon 1363 of the DEPDC5 protein (p.Arg1363His). This variant is not present in population databases (gnomAD no frequency). This variant has not been reported in the literature in individuals affected with DEPDC5-related conditions. ClinVar contains an entry for this variant (Variation ID: 1902735). Experimental studies and prediction algorithms are not available or were not evaluated, and the functional significance of this variant is currently unknown. In summary, the available evidence is currently insufficient to determine the role of this variant in disease. Therefore, it has been classified as a Variant of Uncertain Significance.

NM_001242896.3(DEPDC5):c.4088G>A (p.Arg1363His)

Gene: DEPDC5 (DEP domain containing 5, GATOR1 subcomplex subunit; plus strand). Cytogenetic location: 22q12.3.
Variant type: single nucleotide variant.
Coding change: c.4088G>A on transcript NM_001242896.3 (MANE Select); coding-DNA position 4088, G replaced by A.
Protein change: p.Arg1363His; replaces arginine 1363 with histidine.
Molecular consequence: missense variant. On other transcripts: non-coding transcript variant (5).
Genome position (GRCh38, 1-based): chr22:31,893,636, G>A. VCF-style: chr22-31893636-G-A. GRCh37 (hg19) VCF-style: chr22-32289622-G-A.
Other names: c.4061G>A, p.Arg1354His (NM_001136029.4); c.3788G>A, p.Arg1263His (NM_001242897.2); c.4022G>A, p.Arg1341His (NM_001363852.2, NM_001364320.2); c.3854G>A, p.Arg1285His (NM_001363854.2, NM_001364319.2); c.4088G>A, p.Arg1363His (NM_001364318.2); c.4004G>A, p.Arg1335His (NM_001369901.1, NM_001369902.1); c.3995G>A, p.Arg1332His (NM_001369903.1, NM_014662.6); short protein forms R1332H, R1335H, R1341H, R1263H, R1363H, R1285H, R1354H.
Identifiers: ClinVar variation 1902735 (VCV001902735.5), dbSNP rs891519551, ClinGen allele CA323349518.